The following is an entry in ClinVar:

ClinVar aggregate classification (germline): Pathogenic. Review status: criteria provided, multiple submitters, no conflicts (2 of 4 stars). 12 submissions from 12 submitters: Pathogenic (10). 2 of the submissions do not count toward it. Last evaluated 2026-05-29.

Conditions:
Hereditary retinoblastoma. Identifiers: Orphanet 357027, MedGen C0751483, MONDO:0018160.
Hereditary cancer-predisposing syndrome. Also called: Neoplastic Syndromes, Hereditary; Tumor predisposition; Hereditary Cancer Syndrome; Hereditary neoplastic syndrome. Identifiers: Orphanet 140162, MedGen C0027672, MeSH D009386, MONDO:0015356.
Small cell lung carcinoma. Also called: Lung oat cell carcinoma; SMALL CELL CANCER OF THE LUNG, SOMATIC; Small cell lung cancer. Identifiers: Orphanet 70573, MedGen C0149925, MeSH D055752, MONDO:0008433, OMIM 182280, HP:0030357.
Retinoblastoma (RB1). Also called: RETINOBLASTOMA, SOMATIC. Identifiers: Orphanet 790, MedGen C0035335, MeSH D012175, MONDO:0008380, OMIM 180200, HP:0009919. Disease mechanism: loss of function. Inheritance: Both sporadic and heritable forms are tested..
Malignant tumor of urinary bladder. Also called: Urinary Bladder Neoplasms; Bladder cancer; Urinary bladder cancer. Identifiers: MedGen C0005684, MONDO:0001187, OMIM 109800.
Bone osteosarcoma. Also called: Osteosarcoma, somatic. Identifiers: Orphanet 668, MedGen C0585442, MONDO:0002629, OMIM 259500.

Allele frequency attached by ClinVar (database versions not stated): gnomAD exomes below 0.00001.
gnomAD v4.1: 1 of 1,613,928 alleles (0.000062%); highest among the groups gnomAD compares: Non-Finnish European, 0.000085%; no homozygotes.

Submissions (12):

Diller/Parad Lab, Dana-Farber/Harvard Cancer Center
Classification: Pathogenic for Retinoblastoma. Last evaluated: 2026-05-29. Review status: criteria provided, single submitter. Criteria: ACMG Guidelines, 2015. Collection method: research. Allele origin: germline. Affected: yes.
Comment: It has been classified as Pathogenic using Richards et al (PMID:25741868) based on the following evidence codes: PM2, PVS1, PP3.

Ramesar Group, Division of Human Genetics, Institute of Infectious Diseases and Molecular Medicine, UCT/MRC Genomic and Precision Medicine Research Unit, University of Cape Town
Classification: Pathogenic for Hereditary retinoblastoma. Last evaluated: 2025-09-17. Review status: criteria provided, single submitter. Criteria: ACMG Guidelines, 2015. Collection method: research. Allele origin: germline. Affected: yes. Observed: 1 variant allele.

Institute for Genomic Medicine (IGM) Clinical Laboratory, Nationwide Children's Hospital
Classification: Pathogenic for Hereditary retinoblastoma. Last evaluated: 2025-09-08. Review status: criteria provided, single submitter. Criteria: ACMG Guidelines, 2015. Collection method: clinical testing. Allele origin: germline.
Comment: This variant is predicted to result in loss of function through nonsense-mediated decay of the encoded transcript or premature truncation of the encoded protein in a gene in which loss of function is a known mechanism of disease (ACMG/AMP: PVS1). This variant has been reported to occur de novo in an affected individual in the literature with parental identity confirmed (ACMG/AMP: PS2; PMID:32218800). This variant has been reported at an elevated frequency in affected individuals/in multiple affected individuals in the literature (ACMG/AMP: PS4; PMIDs:12541220, 17096365, 29568217, 2594029, 22328814, 32218800). This variant is absent from or present at an exceedingly low frequency in gnomAD, a large-scale control population database (ACMG/AMP: PM2).

Labcorp Genetics (formerly Invitae), Labcorp
Classification: Pathogenic for Retinoblastoma. Last evaluated: 2025-06-04. Review status: criteria provided, single submitter. Criteria: Invitae Variant Classification Sherloc (09022015). Collection method: clinical testing. Allele origin: germline.
Comment: This sequence change creates a premature translational stop signal (p.Arg787*) in the RB1 gene. It is expected to result in an absent or disrupted protein product. Loss-of-function variants in RB1 are known to be pathogenic (PMID: 17096365). This variant is not present in population databases (gnomAD no frequency). This premature translational stop signal has been observed in individual(s) with retinoblastoma (PMID: 2594029, 22328814, 24225018, 25602518, 26530098, 29568217). In at least one individual the variant was observed to be de novo. ClinVar contains an entry for this variant (Variation ID: 13073). For these reasons, this variant has been classified as Pathogenic.

Genetic Diagnostic Laboratory, University of Pennsylvania School of Medicine
Classification: Pathogenic for Retinoblastoma. Last evaluated: 2024-05-20. Review status: criteria provided, single submitter. Criteria: ACMG Guidelines, 2015. Collection method: clinical testing. Allele origin: germline. Affected: yes. Observed: 17 variant alleles.
Comment: Case and Pedigree Information: BILATERAL CASES:16, UNILATERAL CASES:1, TOTAL CASES:17, PEDIGREES:17. ACMG Codes Applied:PVS1, PM2, PS4M

Ambry Genetics
Classification: Pathogenic for Hereditary cancer-predisposing syndrome. Last evaluated: 2024-05-02. Review status: criteria provided, single submitter. Criteria: Ambry Variant Classification Scheme 2023. Collection method: clinical testing. Allele origin: germline.
Comment: The p.R787* pathogenic mutation (also known as c.2359C>T), located in coding exon 23 of the RB1 gene, results from a C to T substitution at nucleotide position 2359. This changes the amino acid from an arginine to a stop codon within coding exon 23. It has subsequently been identified in multiple unrelated patients and families with retinoblastoma and retinocytoma (Alonso J et al. Hum. Mutat. 2005 Jan;25:99; Taylor M et al. Hum. Mutat. 2007 Mar; 28(3):284-93; Ahani A et al. Cancer Genet. 2011 Jun;204:316-22; Abouzeid H et al. Br J Ophthalmol. 2012 Jun;96(6):884-9; He MY et al. Mol. Vis. 2014;20:545-52; Sagi M et al. Fam. Cancer. 2015 Sep;14:471-80; Singh J et al. Mol. Vis. 2016 Aug;22:1036-47; Nguyen HH et al. Mol. Vis. 2018 Mar;24:231-23). In addition to the clinical data presented in the literature, this alteration is expected to result in loss of function by premature protein truncation or nonsense-mediated mRNA decay. As such, this alteration is interpreted as a disease-causing mutation.

Fulgent Genetics
Classification: Pathogenic for Malignant tumor of urinary bladder; Retinoblastoma; Small cell lung carcinoma; Bone osteosarcoma. Last evaluated: 2024-03-04. Review status: criteria provided, single submitter. Criteria: ACMG Guidelines, 2015. Collection method: clinical testing. Allele origin: germline.

St. Jude Molecular Pathology, St. Jude Children's Research Hospital
Classification: Pathogenic for Retinoblastoma. Last evaluated: 2023-03-09. Review status: criteria provided, single submitter. Criteria: St. Jude Assertion Criteria 2020. Collection method: clinical testing. Allele origin: germline. Affected: yes.
Comment: The RB1 c.2359C>T (p.Arg787Ter) change is a nonsense variant that is predicted to cause premature protein truncation and loss of normal protein function. This variant has been identified in multiple individuals with retinoblastoma (PMID: 2594029, 34277001, 29568217, 34580403, internal data) of which at least one case was assumed to be de novo. This variant is also absent in gnomAD v2.1.1. In summary, this variant meets criteria to be classified as pathogenic.

GeneDx
Classification: Pathogenic. Last evaluated: 2021-11-17. Review status: criteria provided, single submitter. Criteria: GeneDx Variant Classification Process June 2021. Collection method: clinical testing. Allele origin: germline. Affected: yes.
Comment: Nonsense variant predicted to result in protein truncation or nonsense mediated decay in a gene for which loss-of-function is a known mechanism of disease; Not observed in large population cohorts (Lek 2016); This variant is associated with the following publications: (PMID: 25525159, 29568217, 2594029, 22328814, 32218800)

Eurofins Ntd Llc (ga)
Classification: Pathogenic. Last evaluated: 2013-05-29. Review status: criteria provided, single submitter. Criteria: EGL Classification Definitions. Collection method: clinical testing. Allele origin: germline. Observed: 3 variant alleles, 3 heterozygotes.

Pediatric Genetics Clinic, Sheba Medical Center
Classification: Pathogenic for Retinoblastoma. Last evaluated: 2021-05-13. Review status: no assertion criteria provided. Collection method: clinical testing. Allele origin: de novo. Affected: yes. Observed: 1 heterozygote. Not counted in ClinVar's aggregate classification.

OMIM
Classification: Pathogenic for RETINOBLASTOMA. Last evaluated: 1989-12-21. Review status: no assertion criteria provided. Collection method: literature only. Allele origin: germline. Not counted in ClinVar's aggregate classification.

Literature cited by the submitters: PubMed 32218800 (cited by Institute for Genomic Medicine (IGM) Clinical Laboratory, Nationwide Children's Hospital); PubMed 12541220 (cited by Institute for Genomic Medicine (IGM) Clinical Laboratory, Nationwide Children's Hospital); PubMed 17096365 (cited by 3 submitters); PubMed 29568217 (cited by 3 submitters); PubMed 2594029 (cited by 4 submitters); PubMed 22328814 (cited by 3 submitters); PubMed 24225018 (cited by Labcorp Genetics (formerly Invitae), Labcorp); PubMed 25602518 (cited by Labcorp Genetics (formerly Invitae), Labcorp); PubMed 26530098 (cited by Labcorp Genetics (formerly Invitae), Labcorp); PubMed 15605413 (cited by Ambry Genetics); PubMed 21763628 (cited by Ambry Genetics); PubMed 24791139 (cited by Ambry Genetics); PubMed 25525159 (cited by Ambry Genetics); PubMed 25754945 (cited by Ambry Genetics); PubMed 27582626 (cited by Ambry Genetics).

NM_000321.3(RB1):c.2359C>T (p.Arg787Ter)

Gene: RB1 (RB transcriptional corepressor 1; plus strand). Cytogenetic location: 13q14.2.
Variant type: single nucleotide variant.
Coding change: c.2359C>T on transcript NM_000321.3 (MANE Select); coding-DNA position 2359, C replaced by T.
Protein change: p.Arg787Ter; replaces arginine 787 with a stop codon.
Molecular consequence: nonsense.
Genome position (GRCh38, 1-based): chr13:48,465,238, C>T. VCF-style: chr13-48465238-C-T. GRCh37 (hg19) VCF-style: chr13-49039374-C-T.
Other names: L11910:g.162237C>T; short protein forms R787*.
Identifiers: ClinVar variation 13073 (VCV000013073.30), dbSNP rs137853293, ClinGen allele CA026438.